The following is an entry in ClinVar:

NM_000213.5(ITGB4):c.4093G>A (p.Val1365Ile)

Genes: GALK1 (galactokinase 1; minus strand), ITGB4 (integrin subunit beta 4; plus strand). Cytogenetic location: 17q25.1.
Variant type: single nucleotide variant.
Coding change: c.4093G>A on transcript NM_000213.5 (MANE Select); coding-DNA position 4093, G replaced by A.
Protein change: p.Val1365Ile; replaces valine 1365 with isoleucine.
Molecular consequence: missense variant. On other transcripts: intron variant (1).
Genome position (GRCh38, 1-based): chr17:75,752,562, G>A. VCF-style: chr17-75752562-G-A. GRCh37 (hg19) VCF-style: chr17-73748643-G-A.
Other names: c.4093G>A, p.Val1365Ile (NM_001005619.2, NM_001005731.3, NM_001321123.2 and 1 more transcripts); c.*23-825C>T (NM_001381985.1); short protein forms V1365I.
Identifiers: ClinVar variation 731131 (VCV000731131.12), dbSNP rs145750695, ClinGen allele CA8770028.

ClinVar aggregate classification (germline): Benign. Review status: criteria provided, multiple submitters, no conflicts (2 of 4 stars). 2 submissions from 2 submitters: Benign (2). Last evaluated 2026-01-28.

Conditions:
Junctional epidermolysis bullosa with pyloric atresia. Also called: Epidermolysis bullosa, junctional, with pyloric atresia and aplasia cutis congenita; Epidermolysis bullosa junctionalis with pyloric atresia; APLASIA CUTIS CONGENITA WITH GASTROINTESTINAL ATRESIA; CARMI SYNDROME; EB-PA-ACC; EPIDERMOLYSIS BULLOSA, JUNCTIONAL 5B, WITH PYLORIC ATRESIA. Identifiers: Orphanet 79403, MedGen C5676875, MONDO:0009183, OMIM 226730.

Allele frequency attached by ClinVar (database versions not stated): ExAC 0.00151; gnomAD 0.00459 and 0.00495; 1000 Genomes Project 30x 0.00547; 1000 Genomes Project 0.00479; gnomAD exomes 0.00117; TOPMed 0.00510; ESP Exome Variant Server 0.00561.
gnomAD v4.1: 1,387 of 1,613,574 alleles (0.086%); highest among the groups gnomAD compares: African/African-American, 1.6%; 15 homozygotes.

Submissions (2):

Labcorp Genetics (formerly Invitae), Labcorp
Classification: Benign. Last evaluated: 2026-01-28. Review status: criteria provided, single submitter. Criteria: Invitae Variant Classification Sherloc (09022015). Collection method: clinical testing. Allele origin: germline.

Illumina Laboratory Services, Illumina
Classification: Benign for Junctional epidermolysis bullosa with pyloric atresia. Last evaluated: 2018-01-13. Review status: criteria provided, single submitter. Criteria: ICSL Variant Classification Criteria 13 December 2019. Collection method: clinical testing. Allele origin: germline.
Comment: This variant was observed in the ICSL laboratory as part of a predisposition screen in an ostensibly healthy population. It had not been previously curated by ICSL or reported in the Human Gene Mutation Database (HGMD: prior to June 1st, 2018), and was therefore a candidate for classification through an automated scoring system. Utilizing variant allele frequency, disease prevalence and penetrance estimates, and inheritance mode, an automated score was calculated to assess if this variant is too frequent to cause the disease. Based on the score and internal cut-off values, a variant classified as benign is not then subjected to further curation. The score for this variant resulted in a classification of benign for this disease.